The following is an entry in ClinVar:

ClinVar aggregate classification (germline): Likely benign (0 of 4 stars; one submission).

Conditions:
TUB-related disorder. Also called: TUB-related condition.

gnomAD v4.1: 2 of 1,614,038 alleles (0.00012%); highest among the groups gnomAD compares: African/African-American, 0.0027%; no homozygotes.

Submission:

PreventionGenetics, part of Exact Sciences
Classification: Likely benign for TUB-related condition. Last evaluated: 2022-03-14. Review status: no assertion criteria provided. Collection method: clinical testing. Allele origin: germline.
Comment: This variant is classified as likely benign based on ACMG/AMP sequence variant interpretation guidelines (Richards et al. 2015 PMID: 25741868, with internal and published modifications).

NM_003320.5(TUB):c.87C>T (p.Pro29=)

Gene: TUB (TUB bipartite transcription factor; plus strand). Cytogenetic location: 11p15.4.
Variant type: single nucleotide variant.
Coding change: c.87C>T on transcript NM_003320.5; coding-DNA position 87, C replaced by T.
Protein change: p.Pro29=; no amino-acid change (proline 29 retained).
Molecular consequence: synonymous variant. On other transcripts: intron variant (4).
Genome position (GRCh38, 1-based): chr11:8,038,960, C>T. VCF-style: chr11-8038960-C-T. GRCh37 (hg19) VCF-style: chr11-8060507-C-T.
Other names: c.56+19602C>T (NM_001440538.1, NM_001440539.1, NM_001440540.1 and 1 more transcripts).
Identifiers: ClinVar variation 3034922 (VCV003034922.2), dbSNP rs1942693454, ClinGen allele CA473001496.
Genomic context (GRCh38, chr11:8,038,960, plus strand): 5'-TTTCTGGGTTTCTTTCTTTGCCGAGACAGGGATTTTGTTCCCAGGAGGCACTCCCTGGCC[C>T]ATGGGATCTCAGCATTCAAAGCAGCACAGGAAACCTGGGCCCCTGAAACGGGGCCACCGA-3'